The following is an entry in ClinVar:

NM_001371596.2(MFSD8):c.940G>T (p.Ala314Ser)

Gene: MFSD8 (major facilitator superfamily domain containing 8; minus strand). Cytogenetic location: 4q28.2.
Variant type: single nucleotide variant.
Coding change: c.940G>T on transcript NM_001371596.2 (MANE Select); coding-DNA position 940, G replaced by T.
Protein change: p.Ala314Ser; replaces alanine 314 with serine.
Molecular consequence: missense variant.
Genome position (GRCh38, 1-based): chr4:127,930,741, C>A on the plus strand (G>T on the coding strand, the complement: MFSD8 is on the minus strand). VCF-style: chr4-127930741-C-A. GRCh37 (hg19) VCF-style: chr4-128851896-C-A.
Other names: p.A314S:GCT>TCT; c.739G>T, p.Ala247Ser (NM_001363520.3); c.625G>T, p.Ala209Ser (NM_001363521.3); c.805G>T, p.Ala269Ser (NM_001371590.2); c.940G>T, p.Ala314Ser (NM_001371591.2, NM_152778.4); c.946G>T, p.Ala316Ser (NM_001371592.2); c.826G>T, p.Ala276Ser (NM_001371593.2, NM_001410766.1); c.793G>T, p.Ala265Ser (NM_001371594.2); and 2 more; short protein forms A314S, A247S, A209S, A220S, A265S, A269S, A276S, A316S.
Identifiers: ClinVar variation 206158 (VCV000206158.4), dbSNP rs796052744, ClinGen allele CA315979.
Genomic context (GRCh38, chr4:127,930,741, plus strand): 5'-ACTTTTTGGAAAGCAACTTAACTCCTAAGAAAATAACAACGGCTTCAACCCCAAGAGCAG[C>A]AAGTATTATGCCATTATATAACACAGCTTGTTCTTGAGTCCAGGCATACATATCCATTGT-3'
Protein context (NP_001358525.1, residues 304-324): QAVLYNGIIL[Ala314Ser]ALGVEAVVIF

ClinVar aggregate classification (germline): Uncertain significance (1 of 4 stars; one submission).

Allele frequency attached by ClinVar (database versions not stated): TOPMed below 0.00001.

Submission:

GeneDx
Classification: Uncertain significance. Last evaluated: 2012-10-18. Review status: criteria provided, single submitter. Criteria: GeneDx Variant Classification (06012015). Collection method: clinical testing. Allele origin: germline. Affected: yes.
Comment: p.Ala314Ser (GCT>TCT):c.940 G>T in exon 10 of the MFSD8 gene (NM_152778.2)The Ala314Ser missense change has not been published as a mutation, nor has it been reported as a benign polymorphism to our knowledge. The NHLBI ESP Exome Variant Project has not identified Ala314Ser in approximately 6,500 individuals of European or African American ethnicity, indicating that it is not a common benign variant in these populations. The amino acid substitution is non-conservative as a non-polar Alanine residue is replaced by a polar Serine residue. Other missense mutation in this region of the MFSD8 protein have been reported. However, Ala314Ser alters a position that is not well conserved and in silico algorithms predict it is not pathogenic. Based on the currently available information, it is unclear whether Ala314Ser is a disease-causing mutation or a rare benign variant. The variant is found in INFANT-EPI panel(s).